The following is an entry in ClinVar:

NM_024675.4(PALB2):c.2068C>T (p.Gln690Ter)

Gene: PALB2 (partner and localizer of BRCA2; minus strand). Cytogenetic location: 16p12.2.
Variant type: single nucleotide variant.
Coding change: c.2068C>T on transcript NM_024675.4 (MANE Select); coding-DNA position 2068, C replaced by T.
Protein change: p.Gln690Ter; replaces glutamine 690 with a stop codon.
Molecular consequence: nonsense. On other transcripts: intron variant (1).
Genome position (GRCh38, 1-based): chr16:23,630,086, G>A on the plus strand (C>T on the coding strand, the complement: PALB2 is on the minus strand). VCF-style: chr16-23630086-G-A. GRCh37 (hg19) VCF-style: chr16-23641407-G-A.
Other names: c.2008C>T, p.Gln670Ter (NM_001407296.1); c.2068C>T, p.Gln690Ter (NM_001407297.1, NM_001407298.1, NM_001407299.1 and 3 more transcripts); c.1183C>T, p.Gln395Ter (NM_001407304.1, NM_001407305.1, NM_001407306.1 and 5 more transcripts); c.280C>T, p.Gln94Ter (NM_001407312.1, NM_001407313.1); c.49-811C>T (NM_001407314.1); short protein forms Q395*, Q670*, Q690*, Q94*.
Identifiers: ClinVar variation 2673847 (VCV002673847.1), dbSNP rs1555460505, ClinGen allele CA395126666.

ClinVar aggregate classification (germline): Pathogenic (1 of 4 stars; one submission).

Conditions:
Familial cancer of breast. Also called: Hereditary breast cancer; BREAST CANCER, FAMILIAL; hereditary breast carcinoma. Identifiers: Orphanet 227535, MedGen C0346153, MONDO:0016419, OMIM 114480. Disease mechanism: loss of function.

Submission:

Myriad Genetics, Inc.
Classification: Pathogenic for Familial cancer of breast. Last evaluated: 2023-09-12. Review status: criteria provided, single submitter. Criteria: Myriad Autosomal Dominant, Autosomal Recessive and X-Linked Classification Criteria (2023). Collection method: clinical testing. Allele origin: unknown.
Comment: This variant is considered pathogenic. This variant creates a termination codon and is predicted to result in premature protein truncation.